The following is an entry in ClinVar:

ClinVar aggregate classification (germline): Conflicting classifications of pathogenicity. Review status: criteria provided, conflicting classifications (1 of 4 stars). 3 submissions from 3 submitters: Uncertain significance (2); Likely benign (1). Last evaluated 2023-10-30.

Conditions:
Familial acute necrotizing encephalopathy (IIAE3). Also called: ENCEPHALOPATHY, ACUTE, INFECTION-INDUCED, SUSCEPTIBILITY TO, 3; Susceptibility to Acute Necrotizing Encephalopathy 1. Identifiers: Orphanet 88619, MedGen C2675556, MONDO:0011953, OMIM 608033.

Allele frequency attached by ClinVar (database versions not stated): ExAC 0.00004; gnomAD exomes 0.00004 and 0.00007; gnomAD 0.00009; TOPMed 0.00010; 1000 Genomes Project 30x 0.00016; 1000 Genomes Project 0.00020.
gnomAD v4.1: 75 of 1,609,204 alleles (0.0047%); highest among the groups gnomAD compares: East Asian, 0.031%; no homozygotes.

Submissions (3):

Blueprint Genetics
Classification: Likely benign. Last evaluated: 2023-10-30. Review status: criteria provided, single submitter. Criteria: ACMG Guidelines, 2015. Collection method: clinical testing. Allele origin: germline.

Labcorp Genetics (formerly Invitae), Labcorp
Classification: Uncertain significance for Familial acute necrotizing encephalopathy. Last evaluated: 2022-03-23. Review status: criteria provided, single submitter. Criteria: Invitae Variant Classification Sherloc (09022015). Collection method: clinical testing. Allele origin: germline.
Comment: In summary, the available evidence is currently insufficient to determine the role of this variant in disease. Therefore, it has been classified as a Variant of Uncertain Significance. Algorithms developed to predict the effect of missense changes on protein structure and function (SIFT, PolyPhen-2, Align-GVGD) all suggest that this variant is likely to be disruptive. ClinVar contains an entry for this variant (Variation ID: 582796). This variant has not been reported in the literature in individuals affected with RANBP2-related conditions. This variant is present in population databases (rs550357048, gnomAD 0.03%), and has an allele count higher than expected for a pathogenic variant. This sequence change replaces arginine, which is basic and polar, with glutamine, which is neutral and polar, at codon 2144 of the RANBP2 protein (p.Arg2144Gln).

New York Genome Center
Classification: Uncertain significance for Familial acute necrotizing encephalopathy. Last evaluated: 2021-05-14. Review status: criteria provided, single submitter. Criteria: NYGC Assertion Criteria 2020. Collection method: clinical testing. Allele origin: inherited. Observed: 1 heterozygote. Study: CSER-NYCKidSeq.

NM_006267.5(RANBP2):c.6431G>A (p.Arg2144Gln)

Gene: RANBP2 (RAN binding protein 2; plus strand). Cytogenetic location: 2q13.
Variant type: single nucleotide variant.
Coding change: c.6431G>A on transcript NM_006267.5 (MANE Select); coding-DNA position 6431, G replaced by A.
Protein change: p.Arg2144Gln; replaces arginine 2144 with glutamine.
Molecular consequence: missense variant.
Genome position (GRCh38, 1-based): chr2:108,766,970, G>A. VCF-style: chr2-108766970-G-A. GRCh37 (hg19) VCF-style: chr2-109383426-G-A.
Other names: short protein forms R2144Q.
Identifiers: ClinVar variation 582796 (VCV000582796.12), dbSNP rs550357048, ClinGen allele CA1823435.